The following is an entry in ClinVar:

NM_000548.5(TSC2):c.768C>T (p.Cys256=)

Gene: TSC2 (TSC complex subunit 2; plus strand). Cytogenetic location: 16p13.3.
Variant type: single nucleotide variant.
Coding change: c.768C>T on transcript NM_000548.5 (MANE Select); coding-DNA position 768, C replaced by T.
Protein change: p.Cys256=; no amino-acid change (cysteine 256 retained).
Molecular consequence: synonymous variant.
Genome position (GRCh38, 1-based): chr16:2,056,763, C>T. VCF-style: chr16-2056763-C-T. GRCh37 (hg19) VCF-style: chr16-2106764-C-T.
Other names: c.768C>T (NM_000548.4); c.768C>T, p.Cys256= (NM_001077183.3, NM_001114382.3, NM_001363528.2 and 3 more transcripts); c.657C>T, p.Cys219= (NM_001318827.2); c.621C>T, p.Cys207= (NM_001318829.2); c.168C>T, p.Cys56= (NM_001318831.2); c.801C>T, p.Cys267= (NM_001318832.2).
Identifiers: ClinVar variation 468181 (VCV000468181.18), dbSNP rs45517127, ClinGen allele CA056350.
Genomic context (GRCh38, chr16:2,056,763, plus strand): 5'-CCCGCTGTTCATCGTTACCCTCTGTCGCACCATCAACGTCAAGGAGCTCTGCGAGCCTTG[C>T]TGGAAGGTGGGGTTTCTGAAACTGCTCTGGAAGGTTCCTGAGAGCACATGGATGGGACAA-3'
Protein context (NP_000539.2, residues 246-266): TINVKELCEP[Cys256=]WKLMRNLLGT

ClinVar aggregate classification (germline): Benign/Likely benign. Review status: criteria provided, multiple submitters, no conflicts (2 of 4 stars). 5 submissions from 5 submitters: Benign (2); Likely benign (3). Last evaluated 2026-05-24.

Conditions:
TSC2-related disorder. Also called: TSC2-Related Disorders; TSC2-related condition.
Hereditary cancer-predisposing syndrome. Also called: Tumor predisposition; Hereditary neoplastic syndrome; Neoplastic Syndromes, Hereditary; Hereditary Cancer Syndrome. Identifiers: Orphanet 140162, MedGen C0027672, MeSH D009386, MONDO:0015356.
Tuberous sclerosis syndrome (TSC). Also called: Tuberous Sclerosis Complex; Tuberous sclerosis. Identifiers: Orphanet 805, MedGen C0041341, MONDO:0001734.
Tuberous sclerosis 2 (TSC2). Identifiers: Orphanet 805, MedGen C1860707, MONDO:0013199, OMIM 613254.

Allele frequency attached by ClinVar (database versions not stated): gnomAD exomes below 0.00001 and 0.00002; ExAC 0.00001; gnomAD 0.00001; TOPMed 0.00001.
gnomAD v4.1: 8 of 1,608,708 alleles (0.0005%); highest among the groups gnomAD compares: East Asian, 0.016%; no homozygotes.

Submissions (5):

PreventionGenetics, part of Exact Sciences
Classification: Likely benign for TSC2-related condition. Last evaluated: 2026-05-24. Review status: criteria provided, single submitter. Criteria: ACMG Guidelines, 2015. Collection method: clinical testing. Allele origin: germline.
Comment: This variant is classified as likely benign based on ACMG/AMP sequence variant interpretation guidelines (Richards et al. 2015 PMID: 25741868, with internal and published modifications).

Labcorp Genetics (formerly Invitae), Labcorp
Classification: Benign for Tuberous sclerosis 2. Last evaluated: 2026-02-01. Review status: criteria provided, single submitter. Criteria: Invitae Variant Classification Sherloc (09022015). Collection method: clinical testing. Allele origin: germline.

Myriad Genetics, Inc.
Classification: Benign for Tuberous sclerosis 2. Last evaluated: 2025-05-09. Review status: criteria provided, single submitter. Criteria: Myriad Autosomal Dominant, Autosomal Recessive and X-Linked Classification Criteria (2023). Collection method: clinical testing. Allele origin: unknown.
Comment: This variant is considered benign. This variant is a silent/synonymous amino acid change and it is not expected to impact splicing.

All of Us Research Program, National Institutes of Health
Classification: Likely benign for Tuberous sclerosis syndrome. Last evaluated: 2023-05-30. Review status: criteria provided, single submitter. Criteria: ACMG Guidelines, 2015. Collection method: clinical testing. Allele origin: germline. Inheritance: Autosomal dominant inheritance. Observed: 1 variant allele, 1 heterozygote.
Comment: This study involves interpretation of variants in research participants for the purpose of population health screening. Participant phenotype was not available at the time of variant classification. Additional details can be found in publication PMID: 35346344, PMCID: PMC8962531

Ambry Genetics
Classification: Likely benign for Hereditary cancer-predisposing syndrome. Last evaluated: 2022-02-15. Review status: criteria provided, single submitter. Criteria: Ambry Variant Classification Scheme 2023. Collection method: clinical testing. Allele origin: germline.